The following is an entry in ClinVar:

NM_006648.4(WNK2):c.3385C>T (p.Pro1129Ser)

Gene: WNK2 (WNK lysine deficient protein kinase 2; plus strand). Cytogenetic location: 9q22.31.
Variant type: single nucleotide variant.
Coding change: c.3385C>T on transcript NM_006648.4 (MANE Select); coding-DNA position 3385, C replaced by T.
Protein change: p.Pro1129Ser; replaces proline 1129 with serine.
Molecular consequence: missense variant.
Genome position (GRCh38, 1-based): chr9:93,262,694, C>T. VCF-style: chr9-93262694-C-T. GRCh37 (hg19) VCF-style: chr9-96024976-C-T.
Other names: c.3385C>T, p.Pro1129Ser (NM_001282394.3); short protein forms P1129S.
Identifiers: ClinVar variation 4201761 (VCV004201761.1).

ClinVar aggregate classification (germline): Uncertain significance (1 of 4 stars; one submission).

gnomAD v4.1: 2 of 1,612,470 alleles (0.00012%); highest among the groups gnomAD compares: Non-Finnish European, 0.000085%; no homozygotes.

Submission:

Ambry Genetics
Classification: Uncertain significance. Last evaluated: 2025-08-19. Review status: criteria provided, single submitter. Criteria: Ambry Variant Classification Scheme 2023. Collection method: clinical testing. Allele origin: germline.
Comment: The p.P1129S variant (also known as c.3385C>T), located in coding exon 13 of the WNK2 gene, results from a C to T substitution at nucleotide position 3385. The proline at codon 1129 is replaced by serine, an amino acid with similar properties. This amino acid position is conserved. In addition, this alteration is predicted to be tolerated by in silico analysis. Based on the available evidence, the clinical significance of this variant remains unclear.